The following is an entry in ClinVar:

NM_001371986.1(UNC80):c.4726C>T (p.Leu1576=)

Gene: UNC80 (unc-80 homolog, NALCN channel complex subunit; plus strand). Cytogenetic location: 2q34.
Variant type: single nucleotide variant.
Coding change: c.4726C>T on transcript NM_001371986.1 (MANE Select); coding-DNA position 4726, C replaced by T.
Protein change: p.Leu1576=; no amino-acid change (leucine 1576 retained).
Molecular consequence: synonymous variant.
Genome position (GRCh38, 1-based): chr2:209,904,909, C>T. VCF-style: chr2-209904909-C-T. GRCh37 (hg19) VCF-style: chr2-210769633-C-T.
Other names: c.4528C>T, p.Leu1510= (NM_032504.2); c.4513C>T, p.Leu1505= (NM_182587.4).
Identifiers: ClinVar variation 3045227 (VCV003045227.2), dbSNP rs572065035, ClinGen allele CA431096942.

ClinVar aggregate classification (germline): Likely benign (0 of 4 stars; one submission).

Conditions:
UNC80-related disorder. Also called: UNC80-related condition.

gnomAD v4.1: 1 of 1,551,750 alleles (0.000064%); no homozygotes.

Submission:

PreventionGenetics, part of Exact Sciences
Classification: Likely benign for UNC80-related condition. Last evaluated: 2022-10-17. Review status: no assertion criteria provided. Collection method: clinical testing. Allele origin: germline.
Comment: This variant is classified as likely benign based on ACMG/AMP sequence variant interpretation guidelines (Richards et al. 2015 PMID: 25741868, with internal and published modifications).